The following is an entry in ClinVar:

ClinVar aggregate classification (germline): Uncertain significance (1 of 4 stars; one submission).

Conditions:
Neurodevelopmental disorder with or without hyperkinetic movements and seizures, autosomal dominant. Also called: Intellectual disability, autosomal dominant 8. Identifiers: MedGen C3280282, MONDO:0013655, OMIM 614254.

Allele frequency attached by ClinVar (database versions not stated): gnomAD exomes below 0.00001.
gnomAD v4.1: 2 of 1,612,886 alleles (0.00012%); highest among the groups gnomAD compares: East Asian, 0.0022%; no homozygotes.

Submission:

Labcorp Genetics (formerly Invitae), Labcorp
Classification: Uncertain significance for Neurodevelopmental disorder with or without hyperkinetic movements and seizures, autosomal dominant. Last evaluated: 2023-08-05. Review status: criteria provided, single submitter. Criteria: Invitae Variant Classification Sherloc (09022015). Collection method: clinical testing. Allele origin: germline.
Comment: This sequence change replaces glycine, which is neutral and non-polar, with arginine, which is basic and polar, at codon 384 of the GRIN1 protein (p.Gly384Arg). This variant is present in population databases (no rsID available, gnomAD 0.006%). This variant has not been reported in the literature in individuals affected with GRIN1-related conditions. Advanced modeling of protein sequence and biophysical properties (such as structural, functional, and spatial information, amino acid conservation, physicochemical variation, residue mobility, and thermodynamic stability) has been performed at Invitae for this missense variant, however the output from this modeling did not meet the statistical confidence thresholds required to predict the impact of this variant on GRIN1 protein function. In summary, the available evidence is currently insufficient to determine the role of this variant in disease. Therefore, it has been classified as a Variant of Uncertain Significance.

NM_007327.4(GRIN1):c.1150G>A (p.Gly384Arg)

Gene: GRIN1 (glutamate ionotropic receptor NMDA type subunit 1; plus strand). Cytogenetic location: 9q34.3.
Variant type: single nucleotide variant.
Coding change: c.1150G>A on transcript NM_007327.4 (MANE Select); coding-DNA position 1150, G replaced by A.
Protein change: p.Gly384Arg; replaces glycine 384 with arginine.
Molecular consequence: missense variant.
Genome position (GRCh38, 1-based): chr9:137,158,657, G>A. VCF-style: chr9-137158657-G-A. GRCh37 (hg19) VCF-style: chr9-140053109-G-A.
Other names: c.1213G>A, p.Gly405Arg (NM_001185090.2, NM_001185091.2); c.1150G>A, p.Gly384Arg (NM_021569.4, NM_000832.7); short protein forms G405R, G384R.
Identifiers: ClinVar variation 2905334 (VCV002905334.3), dbSNP rs1185667771, ClinGen allele CA375715704.